The following is an entry in ClinVar:

ClinVar aggregate classification (germline): Uncertain significance (0 of 4 stars; one submission).

Submission:

SN ONGC Dept of Genetics and Molecular biology Vision Research Foundation
Classification: Uncertain significance. Review status: no assertion criteria provided. Collection method: not provided. Allele origin: germline.
Comment: macular schisis
ClinVar note: Converted during submission from unknown to Uncertain significance.

NM_000330.4(RS1):c.387_434dup (p.Ile144_Asp145insGluIleLysValIleSerGlyIleLeuThrGlnGlyArgCysAspIle)

Genes: CDKL5 (cyclin dependent kinase like 5; plus strand), RS1 (retinoschisin 1; minus strand). Cytogenetic location: Xp22.13.
Variant type: Duplication.
Coding change: c.387_434dup on transcript NM_000330.4 (MANE Select); coding-DNA positions 387 to 434, 48 bases duplicated.
Protein change: p.Ile144_Asp145insGluIleLysValIleSerGlyIleLeuThrGlnGlyArgCysAspIle.
Molecular consequence: inframe insertion. On other transcripts: intron variant (2), inframe indel (1).
Genome position (GRCh38, 1-based): chrX:18,644,518-18,644,565, 48 bases duplicated; duplicating any 48 consecutive bases within chrX:18,644,518-18,644,567 gives the same sequence; the c. name uses the placement nearest the transcript's 3' end. GRCh37 (hg19): chrX:18,662,640-18,662,687.
Other names: c.2714-1487_2714-1440dup (NM_003159.3, NM_001037343.2); c.387_434dup48 (NM_000330.3).
Identifiers: ClinVar variation 68075 (VCV000068075.4), dbSNP rs199469699, ClinGen allele CA218968.